The following continues an entry in ClinVar:

NM_000303.3(PMM2):c.470T>C (p.Phe157Ser)

Gene: PMM2. ClinVar aggregate classification (germline): Pathogenic/Likely pathogenic. Pathogenic (19); Likely pathogenic (2).

Submissions 12 to 25 of 25:

Victorian Clinical Genetics Services, Murdoch Childrens Research Institute
Classification: Pathogenic for PMM2-congenital disorder of glycosylation. Last evaluated: 2022-06-24. Review status: criteria provided, single submitter. Criteria: ACMG Guidelines, 2015. Collection method: clinical testing. Allele origin: germline. Inheritance: Autosomal recessive inheritance. Affected: yes.
Comment: Based on the classification scheme VCGS_Germline_v1.3.4, this variant is classified as Pathogenic. Following criteria are met: 0102 - Loss of function is a known mechanism of disease in this gene and is associated with congenital disorder of glycosylation, type Ia (MIM#212065). (I) 0106 - This gene is associated with autosomal recessive disease. (I) 0115 - Variants in this gene are known to have variable expressivity. The clinical manifestations and course are highly variable, ranging from infants who die in the first year of life to mildly affected adults. (GeneReviews). (I) 0200 - Variant is predicted to result in a missense amino acid change from phenylalanine to serine. (I) 0251 - This variant is heterozygous. (I) 0304 - Variant is present in gnomAD <0.01 for a recessive condition (v2: 91 heterozygotes, 0 homozygotes). (SP) 0501 - Missense variant consistently predicted to be damaging by multiple in silico tools or highly conserved with a major amino acid change. (SP) 0604 - Variant is not located in an established domain, motif, hotspot or informative constraint region. (I) 0801 - This variant has strong previous evidence of pathogenicity in unrelated individuals. It has been reported in at least twenty individuals with congenital disorder of glycosylation, including compound heterozygotes (PMID: 33340551). (I) Legend: (SP) - Supporting pathogenic, (I) - Information, (SB) - Supporting benign

Genetic Services Laboratory, University of Chicago
Classification: Likely pathogenic. Last evaluated: 2021-11-15. Review status: criteria provided, single submitter. Criteria: ACMG Guidelines, 2015. Collection method: clinical testing. Allele origin: germline. Affected: yes.
Comment: DNA sequence analysis of the PMM2 gene demonstrated a sequence change, c.470T>C, in exon 6 that results in an amino acid change, p.Phe157Ser. This sequence change has been described in the gnomAD database with a frequency of 0.06% in the non-Finnish European subpopulation (dbSNP rs190521996). This sequence change has been described in the compound heterozygous state with other pathogenic/likely pathogenic variants in individuals with PMM2-related disorder (PMIDs: 24739649, 15645285, 11156536, 19357119, 25355454, 22012410). The p.Phe157Ser change affects a highly conserved amino acid residue located in the cap domain of the PMM2 protein. The p.Phe157Ser substitution appears to be deleterious using several in-silico pathogenicity prediction tools (SIFT, PolyPhen2, Align GVGD, REVEL). Functional studies suggest p.Phe157Ser disrupts the stability and activity of the PMM2 protein (PMID: 21541725). Collectively, this evidence suggests p.Phe157Ser is likely pathogenic.

Institute of Medical Genetics and Applied Genomics, University Hospital Tübingen
Classification: Pathogenic. Last evaluated: 2021-09-15. Review status: criteria provided, single submitter. Criteria: ACMG Guidelines, 2015. Collection method: clinical testing. Allele origin: germline. Inheritance: Autosomal recessive inheritance. Affected: yes.

Mayo Clinic Laboratories, Mayo Clinic
Classification: Pathogenic. Last evaluated: 2021-05-13. Review status: criteria provided, single submitter. Criteria: ACMG Guidelines, 2015. Collection method: clinical testing. Allele origin: germline.
Comment: PS3, PS4, PM2, PM3_strong, PP3, PP4

Laboratorio de Genetica e Diagnostico Molecular, Hospital Israelita Albert Einstein
Classification: Pathogenic. Last evaluated: 2021-01-29. Review status: criteria provided, single submitter. Criteria: ACMG Guidelines, 2015. Collection method: clinical testing. Allele origin: germline. Affected: yes.
Comment: ACMG classification criteria: PS3, PS4, PM3

Department of Pathology and Laboratory Medicine, Sinai Health System
Classification: Pathogenic for PMM2-congenital disorder of glycosylation. Last evaluated: 2020-08-22. Review status: criteria provided, single submitter. Criteria: ACMG Guidelines, 2015. Collection method: research. Allele origin: germline.

Myriad Genetics, Inc.
Classification: Pathogenic for PMM2-congenital disorder of glycosylation. Last evaluated: 2019-12-20. Review status: criteria provided, single submitter. Criteria: Myriad Women's Health Autosomal Recessive and X-Linked Classification Criteria (2019). Collection method: clinical testing. Allele origin: unknown.
Comment: NM_000303.2(PMM2):c.470T>C(F157S) is classified as pathogenic in the context of congenital disorder of glycosylation type Ia. Sources cited for classification include the following: PMID 11156536, 17166182, 12607543, 12705494, 19396570, 17920054, 21541725 and 15645285. Classification of NM_000303.2(PMM2):c.470T>C(F157S) is based on the following criteria: This is a well-established pathogenic variant in the literature that has been observed more frequently in patients with clinical diagnoses than in healthy populations. Please note: this variant was assessed in the context of healthy population screening.

Fulgent Genetics
Classification: Likely pathogenic for PMM2-congenital disorder of glycosylation. Last evaluated: 2018-10-31. Review status: criteria provided, single submitter. Criteria: ACMG Guidelines, 2015. Collection method: clinical testing. Allele origin: unknown.

Illumina Laboratory Services, Illumina
Classification: Pathogenic for PMM2-congenital disorder of glycosylation. Last evaluated: 2017-04-27. Review status: criteria provided, single submitter. Criteria: ICSL Variant Classification Criteria 09 May 2019. Collection method: clinical testing. Allele origin: germline.
Comment: Across a selection of the available literature, the PMM2 c.470T>C (p.Phe157Ser) missense variant is reported in a compound heterozygous state with a second variant in eight patients with congenital disorder of glycosylation type 1a (CDG1a), and in one patient where zygosity information is not provided (Matthijs et al. 1999; Briones et al. 2002; Noelle et al. 2005; Romano et al. 2009; Vega et al. 2011; Casado et al. 2012; Resende et al. 2014). Nearly all of these patients exhibited a severe phenotype and residual PMM2 enzyme activity in patient fibroblasts was extremely low or undetectable. Control data are unavailable for this variant, which is reported at a frequency of 0.00081 in the European American population of the Exome Sequencing Project. Analysis of the p.Phe157Ser variant in a prokaryotic expression system showed that the variant affected the stability and structure, and significantly decreased the half-life of the protein (Vega et al. 2011). Based on the collective evidence, the p.Phe157Ser variant is classified as pathogenic for congenital disorders of glycosylation. This variant was observed by ICSL as part of a predisposition screen in an ostensibly healthy population.

Women's Health and Genetics/Laboratory Corporation of America, LabCorp
Classification: Pathogenic for PMM2-congenital disorder of glycosylation. Last evaluated: 2016-06-03. Review status: criteria provided, single submitter. Criteria: LabCorp Variant Classification Summary - May 2015. Collection method: clinical testing. Allele origin: germline.
Comment: Variant summary: The PMM2 c.470T>C (p.Phe157Ser) variant causes a missense mutation involving a conserved nucleotide with 5/5 in silico tools predicting a damaging outcome, which functional studies support this prediction. The variant of interest was observed in the large, broad control population, ExAC, with an allele frequency of 33/121274 (1/3675), which does not exceed the estimated maximal expected allele frequency for a pathogenic PMM2 variant of 1/178. (0.0055902). The variant of interest has been reported in multiple affected individuals via publications, along with a reputable clinical laboratory citing the variant as "likely pathogenic." Therefore, taking all available lines of evidence into consideration, the variant of interest has been classified as Pathogenic.

Genetics laboratory, Institute of Kidney Diseases & Research Centre Dr. H.L. Trivedi Institute Of Transplantation Sciences
Classification: Pathogenic for PMM2-congenital disorder of glycosylation. Last evaluated: 2024-06-07. Review status: no assertion criteria provided. Collection method: clinical testing. Allele origin: germline. Inheritance: Autosomal recessive inheritance. Affected: yes. Observed: 1 variant allele, 1 heterozygote. Not counted in ClinVar's aggregate classification.
Comment: A heterozygous missense variant c.470T>C in PMM2 gene (chr16:8905517; Depth: 200x) was detected. This sequence change replaces phenylalanine, which is neutral and non-polar, with serine, which is neutral and polar, at codon 157 of the PMM2 protein (p.Phe157Ser). This variant is present in population databases (rs190521996, gnomAD 0.06%). This missense change has been observed in individual(s) with congenital disorder of glycosylation type Ia. In at least one individual the data is consistent with being in trans (on the opposite chromosome) from a pathogenic variant. Advanced modeling of protein sequence and biophysical properties (such as structural, functional, and spatial information, amino acid conservation, physicochemical variation, residue mobility, and thermodynamic stability) performed, indicates that this missense variant is expected to disrupt PMM2 protein function with a positive predictive value of 95%. Experimental studies have shown that this missense change affects PMM2 function. For these reasons, this variant has been classified as pathogenic according to the ACMG guidelines.

Clinical Genetics DNA and cytogenetics Diagnostics Lab, Erasmus MC, Erasmus Medical Center
Classification: Pathogenic. Review status: no assertion criteria provided. Collection method: clinical testing. Allele origin: germline. Affected: yes. Study: VKGL Data-share Consensus. Not counted in ClinVar's aggregate classification.

Genome Diagnostics Laboratory, Amsterdam University Medical Center
Classification: Pathogenic. Review status: no assertion criteria provided. Collection method: clinical testing. Allele origin: germline. Affected: yes. Study: VKGL Data-share Consensus. Not counted in ClinVar's aggregate classification.

Joint Genome Diagnostic Labs from Nijmegen and Maastricht, Radboudumc and MUMC+
Classification: Pathogenic. Review status: no assertion criteria provided. Collection method: clinical testing. Allele origin: germline. Affected: yes. Study: VKGL Data-share Consensus. Not counted in ClinVar's aggregate classification.

Literature cited by the submitters: PubMed 11156536 (cited by 6 submitters); PubMed 15645285 (cited by 6 submitters); PubMed 19357119 (cited by 3 submitters); PubMed 22012410 (cited by 5 submitters); PubMed 24739649 (cited by 4 submitters); PubMed 25355454 (cited by 4 submitters); PubMed 21541725 (cited by 8 submitters); PubMed 25497157 (cited by 3 submitters); PubMed 32071842 (cited by Otogenetics); PubMed 15844218 (cited by Natera, Inc.); PubMed 12705494 (cited by 4 submitters); PubMed 26502900 (cited by Ambry Genetics and Illumina Laboratory Services, Illumina); PubMed 33413482 (cited by Ambry Genetics); PubMed 35279850 (cited by Ambry Genetics); PubMed 33340551 (cited by Victorian Clinical Genetics Services, Murdoch Childrens Research Institute); PubMed 10527672 (cited by 3 submitters); PubMed 17166182 (cited by Mayo Clinic Laboratories, Mayo Clinic and Myriad Genetics, Inc.); PubMed 17920054 (cited by Mayo Clinic Laboratories, Mayo Clinic and Myriad Genetics, Inc.); PubMed 12607543 (cited by Myriad Genetics, Inc.); PubMed 19396570 (cited by Myriad Genetics, Inc.).